The following is an entry in ClinVar:

ClinVar aggregate classification (germline): Uncertain significance (1 of 4 stars; one submission).

Submission:

GeneDx
Classification: Uncertain significance. Last evaluated: 2025-09-19. Review status: criteria provided, single submitter. Criteria: GeneDx Variant Classification Process June 2021. Collection method: clinical testing. Allele origin: germline. Affected: yes.
Comment: Not observed at significant frequency in large population cohorts (gnomAD); Canonical splice site variant in a gene or region of a gene for which loss of function is not a well-established mechanism of disease; Has not been previously published as pathogenic or benign to our knowledge

NM_001270.4(CHD1):c.2868-4_2869del

Gene: CHD1 (chromodomain helicase DNA binding protein 1; minus strand). Cytogenetic location: 5q15.
Variant type: Deletion.
Coding change: c.2868-4_2869del on transcript NM_001270.4 (MANE Select); 4 bases into the intron before coding-DNA position 2868 through coding-DNA position 2869, 6 bases deleted (TTAGTT; older notation c.2868-4_2869delTTAGTT).
Molecular consequence: splice acceptor variant.
Genome position (GRCh38, 1-based): chr5:98,881,374-98,881,379, AACTAA deleted on the plus strand (TTAGTT on the coding strand, the reverse complement: CHD1 is on the minus strand); deleting any 6 consecutive bases within chr5:98,881,374-98,881,382 gives the same sequence; the c. name uses the placement nearest the transcript's 3' end. VCF-style (leftmost placement, unchanged base first): chr5-98881373-GAACTAA-G. GRCh37 (hg19) VCF-style: chr5-98217077-GAACTAA-G.
Other names: c.2868-4_2869del (NM_001364113.3, NM_001376194.2).
Identifiers: ClinVar variation 4813889 (VCV004813889.1).